The following is an entry in ClinVar:

ClinVar aggregate classification (germline): Pathogenic (1 of 4 stars; one submission).

Conditions:
Lamb-Shaffer syndrome. Identifiers: Orphanet 313884, Orphanet 313892, Orphanet 530983, MedGen C4225202, MONDO:0014778, OMIM 616803.

Submission:

Dubai Health Genomic Medicine Center, Dubai Health
Classification: Pathogenic for Lamb-Shaffer syndrome. Last evaluated: 2024-10-04. Review status: criteria provided, single submitter. Criteria: ACMG Guidelines, 2015. Collection method: research. Allele origin: germline. Affected: yes.
Comment: PVS1,PS2,PM2

NM_006940.6(SOX5):c.1598-1G>A

Gene: SOX5 (SRY-box transcription factor 5; minus strand). Cytogenetic location: 12p12.1.
Variant type: single nucleotide variant.
Coding change: c.1598-1G>A on transcript NM_006940.6 (MANE Select); the canonical splice acceptor site of the intron before coding-DNA position 1598, G replaced by A.
Molecular consequence: splice acceptor variant.
Genome position (GRCh38, 1-based): chr12:23,543,385, C>T on the plus strand (G>A on the coding strand, the complement: SOX5 is on the minus strand). VCF-style: chr12-23543385-C-T. GRCh37 (hg19) VCF-style: chr12-23696319-C-T.
Other names: c.1559-1G>A (NM_152989.5); c.1235-1G>A (NM_001261414.3); c.1568-1G>A (NM_001261415.3); c.1493-1G>A (NM_001330785.2); c.440-1G>A (NM_178010.4).
Identifiers: ClinVar variation 3383983 (VCV003383983.1).
Genomic context (GRCh38, chr12:23,543,385, plus strand): 5'-CATTGCTACCACGCCCTCGGGATTCCCTATAAATTCTTGACTCTGAGACTCCAGCACTTC[C>T]TGAAAACAGGAAACATCACTTCGTGTTAGCGTTAAAACTTTTGTCAGCTCTTTTCCTTGC-3'